The following is an entry in ClinVar:

NM_001298.3(CNGA3):c.210C>T (p.Ile70=)

Gene: CNGA3 (cyclic nucleotide gated channel subunit alpha 3; plus strand). Cytogenetic location: 2q11.2.
Variant type: single nucleotide variant.
Coding change: c.210C>T on transcript NM_001298.3 (MANE Select); coding-DNA position 210, C replaced by T.
Protein change: p.Ile70=; no amino-acid change (isoleucine 70 retained).
Molecular consequence: synonymous variant.
Genome position (GRCh38, 1-based): chr2:98,377,795, C>T. VCF-style: chr2-98377795-C-T. GRCh37 (hg19) VCF-style: chr2-98994258-C-T.
Other names: c.210C>T, p.Ile70= (NM_001079878.2); c.210C>T (NM_001298.2).
Identifiers: ClinVar variation 1132759 (VCV001132759.12), dbSNP rs145057274, ClinGen allele CA1793611.

ClinVar aggregate classification (germline): Likely benign. Review status: criteria provided, multiple submitters, no conflicts (2 of 4 stars). 3 submissions from 3 submitters: Likely benign (2). 1 of the submissions does not count toward it. Last evaluated 2026-02-01.

Conditions:
CNGA3-related disorder. Also called: CNGA3-related condition.

Allele frequency attached by ClinVar (database versions not stated): 1000 Genomes Project 30x 0.00016; 1000 Genomes Project 0.00020; gnomAD exomes 0.00021; ExAC 0.00027; gnomAD 0.00029 and 0.00031; TOPMed 0.00045; ESP Exome Variant Server 0.00062.
gnomAD v4.1: 183 of 1,609,990 alleles (0.011%); highest among the groups gnomAD compares: African/African-American, 0.096%; no homozygotes.

Submissions (3):

Labcorp Genetics (formerly Invitae), Labcorp
Classification: Likely benign. Last evaluated: 2026-02-01. Review status: criteria provided, single submitter. Criteria: Invitae Variant Classification Sherloc (09022015). Collection method: clinical testing. Allele origin: germline.

Blueprint Genetics
Classification: Likely benign. Last evaluated: 2024-09-11. Review status: criteria provided, single submitter. Criteria: ACMG Guidelines, 2015. Collection method: clinical testing. Allele origin: germline.

PreventionGenetics, part of Exact Sciences
Classification: Likely benign for CNGA3-related condition. Last evaluated: 2020-12-21. Review status: no assertion criteria provided. Collection method: clinical testing. Allele origin: germline. Not counted in ClinVar's aggregate classification.
Comment: This variant is classified as likely benign based on ACMG/AMP sequence variant interpretation guidelines (Richards et al. 2015 PMID: 25741868, with internal and published modifications).